The following is an entry in ClinVar:

ClinVar aggregate classification (germline): Uncertain significance. Review status: criteria provided, multiple submitters, no conflicts (2 of 4 stars). 3 submissions from 3 submitters: Uncertain significance (3). Last evaluated 2023-06-15.

Conditions:
Neurodevelopmental disorder with microcephaly, seizures, and cortical atrophy. Identifiers: MedGen C4540493, MONDO:0060621, OMIM 617802.
Inborn genetic diseases. Identifiers: MedGen C0950123, MeSH D030342.

Allele frequency attached by ClinVar (database versions not stated): gnomAD exomes below 0.00001 and 0.00001; ExAC 0.00001; gnomAD 0.00002; TOPMed 0.00002.
gnomAD v4.1: 26 of 1,612,400 alleles (0.0016%); highest among the groups gnomAD compares: Middle Eastern, 0.13%; no homozygotes.

Submissions (3):

Blueprint Genetics
Classification: Uncertain significance. Last evaluated: 2023-06-15. Review status: criteria provided, single submitter. Criteria: ACMG Guidelines, 2015. Collection method: clinical testing. Allele origin: germline.

Ambry Genetics
Classification: Uncertain significance for Inborn genetic diseases. Last evaluated: 2022-12-21. Review status: criteria provided, single submitter. Criteria: Ambry Variant Classification Scheme 2023. Collection method: clinical testing. Allele origin: germline.

Baylor Genetics
Classification: Uncertain significance for Neurodevelopmental disorder with microcephaly, seizures, and cortical atrophy. Last evaluated: 2020-01-20. Review status: criteria provided, single submitter. Criteria: ACMG Guidelines, 2015. Collection method: clinical testing. Allele origin: unknown. Affected: yes.
Comment: This variant was determined to be of uncertain significance according to ACMG Guidelines, 2015 [PMID:25741868].

NM_006295.3(VARS1):c.3623G>A (p.Arg1208Gln)

Gene: VARS1 (valyl-tRNA synthetase 1; minus strand). Cytogenetic location: 6p21.33.
Variant type: single nucleotide variant.
Coding change: c.3623G>A on transcript NM_006295.3 (MANE Select); coding-DNA position 3623, G replaced by A.
Protein change: p.Arg1208Gln; replaces arginine 1208 with glutamine.
Molecular consequence: missense variant.
Genome position (GRCh38, 1-based): chr6:31,779,070, C>T on the plus strand (G>A on the coding strand, the complement: VARS1 is on the minus strand). VCF-style: chr6-31779070-C-T. GRCh37 (hg19) VCF-style: chr6-31746847-C-T.
Other names: short protein forms R1208Q.
Identifiers: ClinVar variation 1029029 (VCV001029029.3), dbSNP rs766385187, ClinGen allele CA3722631.